The following is an entry in ClinVar:

ClinVar aggregate classification (germline): Uncertain significance. Review status: criteria provided, multiple submitters, no conflicts (2 of 4 stars). 2 submissions from 2 submitters: Uncertain significance (2). Last evaluated 2025-09-27.

Conditions:
KIF1B-related disorder. Also called: KIF1B-related condition.
Charcot-Marie-Tooth disease type 2A1. Also called: CHARCOT-MARIE-TOOTH DISEASE, AXONAL, TYPE 2A1; CHARCOT-MARIE-TOOTH DISEASE, AXONAL, AUTOSOMAL DOMINANT, TYPE 2A1; CHARCOT-MARIE-TOOTH DISEASE, NEURONAL, TYPE 2A1; CHARCOT-MARIE-TOOTH NEUROPATHY, TYPE 2A1; HEREDITARY MOTOR AND SENSORY NEUROPATHY IIA1. Identifiers: Orphanet 99946, MedGen C1861678, MONDO:0007308, OMIM 118210.
Neuroblastoma, susceptibility to, 1. Identifiers: MedGen C2749485, MONDO:0009741, OMIM 256700.

Submissions (2):

PreventionGenetics, part of Exact Sciences
Classification: Uncertain significance for KIF1B-related condition. Last evaluated: 2025-09-27. Review status: criteria provided, single submitter. Criteria: ACMG Guidelines, 2015. Collection method: clinical testing. Allele origin: germline.
Comment: The KIF1B c.3006_3008delAGA variant is predicted to result in an in-frame deletion (p.Glu1003del). To our knowledge, this variant has not been reported in the literature. This variant is reported in 0.00088% of alleles in individuals of European (non-Finnish) descent in gnomAD. At this time, the clinical significance of this variant is uncertain due to the absence of conclusive functional and genetic evidence.

Fulgent Genetics
Classification: Uncertain significance for Charcot-Marie-Tooth disease type 2A1; Neuroblastoma, susceptibility to, 1. Last evaluated: 2024-06-14. Review status: criteria provided, single submitter. Criteria: ACMG Guidelines, 2015. Collection method: clinical testing. Allele origin: germline.

NM_001365951.3(KIF1B):c.2115+6945_2115+6947del

Gene: KIF1B (kinesin family member 1B; plus strand). Cytogenetic location: 1p36.22.
Variant type: Microsatellite.
Coding change: c.2115+6945_2115+6947del on transcript NM_001365951.3 (MANE Select); bases 6945 to 6947 of the intron after coding-DNA position 2115, 3 bases deleted (AGA; older notation c.2115+6945_2115+6947delAGA).
Molecular consequence: intron variant.
Genome position (GRCh38, 1-based): chr1:10,304,191-10,304,193, AGA deleted; deleting any 3 consecutive bases within chr1:10,304,187-10,304,193 gives the same sequence; the c. name uses the placement nearest the transcript's 3' end. VCF-style (leftmost placement, unchanged base first): chr1-10304186-AAAG-A. GRCh37 (hg19) VCF-style: chr1-10364244-AAAG-A.
Other names: c.3006_3008del (NM_183416.4); c.3003AGA[1], p.Glu1003del (NM_001365953.1, NM_183416.4); c.1977+6945_1977+6947del (NM_015074.3); c.2115+6945_2115+6947del (NM_001365952.1); c.3006_3008delAGA (NM_183416.3); short protein forms E1003del.
Identifiers: ClinVar variation 3598581 (VCV003598581.2).
Genomic context (GRCh38, chr1:10,304,186, plus strand): 5'-ACAGAAGATGAGGTTATAGAGCTTAGGATTCCAAAAGACGATGAAGCAAGGAAAGGGAAT[AAAG>A]AAGAGAGCCAAGAAAAAGGGGGTAAAGGAGCTTTTAAGGATCCCCAGTTTCCATGGGGCT-3'